The following is an entry in ClinVar:

NM_004168.4(SDHA):c.200T>C (p.Val67Ala)

Gene: SDHA (succinate dehydrogenase complex flavoprotein subunit A; plus strand). Cytogenetic location: 5p15.33.
Variant type: single nucleotide variant.
Coding change: c.200T>C on transcript NM_004168.4 (MANE Select); coding-DNA position 200, T replaced by C.
Protein change: p.Val67Ala; replaces valine 67 with alanine.
Molecular consequence: missense variant.
Genome position (GRCh38, 1-based): chr5:224,409, T>C. VCF-style: chr5-224409-T-C. GRCh37 (hg19) VCF-style: chr5-224524-T-C.
Other names: c.200T>C, p.Val67Ala (NM_001294332.2, NM_001330758.2); short protein forms V67A.
Identifiers: ClinVar variation 2059532 (VCV002059532.4), dbSNP rs2477285808, ClinGen allele CA359008475.

ClinVar aggregate classification (germline): Uncertain significance (1 of 4 stars; one submission).

Conditions:
Pheochromocytoma/paraganglioma syndrome 5. Also called: Paragangliomas 5; SDHA-Related Hereditary Paraganglioma-Pheochromocytoma Syndrome. Identifiers: Orphanet 29072, MedGen C3279992, MONDO:0013602, OMIM 614165.
Mitochondrial complex II deficiency, nuclear type 1. Also called: SUCCINATE CoQ REDUCTASE DEFICIENCY. Identifiers: Orphanet 3208, MedGen C5700310, MONDO:0100294, OMIM 252011.

Allele frequency attached by ClinVar (database versions not stated): gnomAD exomes below 0.00001.
gnomAD v4.1: 2 of 1,613,676 alleles (0.00012%); highest among the groups gnomAD compares: Non-Finnish European, 0.00017%; no homozygotes.

Submission:

Labcorp Genetics (formerly Invitae), Labcorp
Classification: Uncertain significance for Pheochromocytoma/paraganglioma syndrome 5; Mitochondrial complex II deficiency, nuclear type 1. Last evaluated: 2022-01-18. Review status: criteria provided, single submitter. Criteria: Invitae Variant Classification Sherloc (09022015). Collection method: clinical testing. Allele origin: germline.
Comment: This sequence change replaces valine, which is neutral and non-polar, with alanine, which is neutral and non-polar, at codon 67 of the SDHA protein (p.Val67Ala). This variant is not present in population databases (gnomAD no frequency). This variant has not been reported in the literature in individuals affected with SDHA-related conditions. Algorithms developed to predict the effect of missense changes on protein structure and function (SIFT, PolyPhen-2, Align-GVGD) all suggest that this variant is likely to be disruptive. In summary, the available evidence is currently insufficient to determine the role of this variant in disease. Therefore, it has been classified as a Variant of Uncertain Significance.